The following is an entry in ClinVar:

ClinVar aggregate classification (germline): Uncertain significance. Review status: criteria provided, multiple submitters, no conflicts (2 of 4 stars). 2 submissions from 2 submitters: Uncertain significance (2). Last evaluated 2025-10-01.

Conditions:
Hereditary cancer-predisposing syndrome. Also called: Neoplastic Syndromes, Hereditary; Tumor predisposition; Hereditary Cancer Syndrome; Hereditary neoplastic syndrome. Identifiers: Orphanet 140162, MedGen C0027672, MeSH D009386, MONDO:0015356.
Neuroblastoma, susceptibility to, 3. Also called: ALK-Related Neuroblastic Tumor Susceptibility. Identifiers: Orphanet 635, MedGen C2751681, MONDO:0013083, OMIM 613014.

Allele frequency attached by ClinVar (database versions not stated): ExAC 0.00002; gnomAD exomes 0.00003.

Submissions (2):

Labcorp Genetics (formerly Invitae), Labcorp
Classification: Uncertain significance for Neuroblastoma, susceptibility to, 3. Last evaluated: 2025-10-01. Review status: criteria provided, single submitter. Criteria: Invitae Variant Classification Sherloc (09022015). Collection method: clinical testing. Allele origin: germline.
Comment: This sequence change replaces methionine, which is neutral and non-polar, with arginine, which is basic and polar, at codon 1302 of the ALK protein (p.Met1302Arg). This variant is present in population databases (rs749608713, gnomAD 0.01%). This variant has not been reported in the literature in individuals affected with ALK-related conditions. ClinVar contains an entry for this variant (Variation ID: 566432). An algorithm developed to predict the effect of missense changes on protein structure and function (PolyPhen-2) suggests that this variant is likely to be disruptive. In summary, the available evidence is currently insufficient to determine the role of this variant in disease. Therefore, it has been classified as a Variant of Uncertain Significance.

Ambry Genetics
Classification: Uncertain significance for Hereditary cancer-predisposing syndrome. Last evaluated: 2024-01-11. Review status: criteria provided, single submitter. Criteria: Ambry Variant Classification Scheme 2023. Collection method: clinical testing. Allele origin: germline.
Comment: The p.M1302R variant (also known as c.3905T>G), located in coding exon 26 of the ALK gene, results from a T to G substitution at nucleotide position 3905. The methionine at codon 1302 is replaced by arginine, an amino acid with similar properties. This amino acid position is highly conserved in available vertebrate species. In addition, this alteration is predicted to be deleterious by in silico analysis. Since supporting evidence is limited at this time, the clinical significance of this alteration remains unclear.

NM_004304.5(ALK):c.3905T>G (p.Met1302Arg)

Gene: ALK (ALK receptor tyrosine kinase; minus strand). Cytogenetic location: 2p23.2.
Variant type: single nucleotide variant.
Coding change: c.3905T>G on transcript NM_004304.5 (MANE Select); coding-DNA position 3905, T replaced by G.
Protein change: p.Met1302Arg; replaces methionine 1302 with arginine.
Molecular consequence: missense variant.
Genome position (GRCh38, 1-based): chr2:29,207,204, A>C on the plus strand (T>G on the coding strand, the complement: ALK is on the minus strand). VCF-style: chr2-29207204-A-C. GRCh37 (hg19) VCF-style: chr2-29430070-A-C.
Other names: c.701T>G, p.Met234Arg (NM_001353765.2); short protein forms M1302R, M234R.
Identifiers: ClinVar variation 566432 (VCV000566432.12), dbSNP rs749608713, ClinGen allele CA1593731.